The following is an entry in ClinVar:

NM_000535.7(PMS2):c.2531C>T (p.Pro844Leu)

Gene: PMS2 (PMS1 homolog 2, mismatch repair system component; minus strand). Cytogenetic location: 7p22.1.
Variant type: single nucleotide variant.
Coding change: c.2531C>T on transcript NM_000535.7 (MANE Select); coding-DNA position 2531, C replaced by T.
Protein change: p.Pro844Leu; replaces proline 844 with leucine.
Molecular consequence: missense variant. On other transcripts: non-coding transcript variant (1).
Genome position (GRCh38, 1-based): chr7:5,973,457, G>A on the plus strand (C>T on the coding strand, the complement: PMS2 is on the minus strand). VCF-style: chr7-5973457-G-A. GRCh37 (hg19) VCF-style: chr7-6013088-G-A.
Other names: c.2126C>T, p.Pro709Leu (NM_001018040.1, NM_001322003.2, NM_001322004.2 and 12 more transcripts); c.2375C>T, p.Pro792Leu (NM_001322006.2); c.2213C>T, p.Pro738Leu (NM_001322007.2, NM_001322008.2, NM_001406883.1); c.2159C>T, p.Pro720Leu (NM_001322009.2, NM_001406887.1, NM_001406888.1); c.1970C>T, p.Pro657Leu (NM_001322010.2, NM_001406906.1, NM_001406907.1); c.1598C>T, p.Pro533Leu (NM_001322011.2, NM_001322012.2); c.1958C>T, p.Pro653Leu (NM_001322013.2, NM_001406908.1, NM_001406909.1); c.2564C>T, p.Pro855Leu (NM_001322014.2); and 20 more; short protein forms P657L, P673L, P686L, P736L, P738L, P749L, P803L, P852L.
Identifiers: ClinVar variation 1792703 (VCV001792703.2), dbSNP rs587782787, ClinGen allele CA366734853.

ClinVar aggregate classification (germline): Uncertain significance (1 of 4 stars; one submission).

Conditions:
Hereditary cancer-predisposing syndrome. Also called: Tumor predisposition; Hereditary Cancer Syndrome; Neoplastic Syndromes, Hereditary; Hereditary neoplastic syndrome. Identifiers: Orphanet 140162, MedGen C0027672, MeSH D009386, MONDO:0015356.

Submission:

Ambry Genetics
Classification: Uncertain significance for Hereditary cancer-predisposing syndrome. Last evaluated: 2021-11-23. Review status: criteria provided, single submitter. Criteria: Ambry Variant Classification Scheme 2023. Collection method: clinical testing. Allele origin: germline.
Comment: The p.P844L variant (also known as c.2531C>T), located in coding exon 15 of the PMS2 gene, results from a C to T substitution at nucleotide position 2531. The proline at codon 844 is replaced by leucine, an amino acid with similar properties. This amino acid position is highly conserved in available vertebrate species. In addition, this alteration is predicted to be deleterious by in silico analysis. Since supporting evidence is limited at this time, the clinical significance of this alteration remains unclear.